The following is an entry in ClinVar:

NM_001184.4(ATR):c.7289C>T (p.Pro2430Leu)

Gene: ATR (ATR serine/threonine kinase; minus strand). Cytogenetic location: 3q23.
Variant type: single nucleotide variant.
Coding change: c.7289C>T on transcript NM_001184.4 (MANE Select); coding-DNA position 7289, C replaced by T.
Protein change: p.Pro2430Leu; replaces proline 2430 with leucine.
Molecular consequence: missense variant.
Genome position (GRCh38, 1-based): chr3:142,459,287, G>A on the plus strand (C>T on the coding strand, the complement: ATR is on the minus strand). VCF-style: chr3-142459287-G-A. GRCh37 (hg19) VCF-style: chr3-142178129-G-A.
Other names: c.7097C>T, p.Pro2366Leu (NM_001354579.2); short protein forms P2366L, P2430L.
Identifiers: ClinVar variation 3332265 (VCV003332265.1).
Genomic context (GRCh38, chr3:142,459,287, plus strand): 5'-CATGATGTAGGATCAGGGAATGTTCTCAGAAACCACTCATGAAAAATAGGAGGATGCCTG[G>A]GCAGGAGAAATTCTCGGAATACTTTGAGTTTTTCAGATAAAGCTGCTGACTTTGGTAGCA-3'
Protein context (NP_001175.2, residues 2420-2440): KLKVFREFLL[Pro2430Leu]RHPPIFHEWF

ClinVar aggregate classification (germline): Uncertain significance (1 of 4 stars; one submission).

Conditions:
Inborn genetic diseases. Identifiers: MedGen C0950123, MeSH D030342.

Submission:

Ambry Genetics
Classification: Uncertain significance for Inborn genetic diseases. Last evaluated: 2024-06-23. Review status: criteria provided, single submitter. Criteria: Ambry Variant Classification Scheme 2023. Collection method: clinical testing. Allele origin: germline.
Comment: The p.P2430L variant (also known as c.7289C>T), located in coding exon 43 of the ATR gene, results from a C to T substitution at nucleotide position 7289. The proline at codon 2430 is replaced by leucine, an amino acid with similar properties. This amino acid position is conserved. In addition, the in silico prediction for this alteration is inconclusive. Based on the available evidence, the clinical significance of this variant remains unclear.